The following is an entry in ClinVar:

NM_003906.5(MCM3AP):c.1123A>G (p.Met375Val)

Gene: MCM3AP (minichromosome maintenance complex component 3 associated protein; minus strand). Cytogenetic location: 21q22.3.
Variant type: single nucleotide variant.
Coding change: c.1123A>G on transcript NM_003906.5 (MANE Select); coding-DNA position 1123, A replaced by G.
Protein change: p.Met375Val; replaces methionine 375 with valine.
Molecular consequence: missense variant.
Genome position (GRCh38, 1-based): chr21:46,284,164, T>C on the plus strand (A>G on the coding strand, the complement: MCM3AP is on the minus strand). VCF-style: chr21-46284164-T-C. GRCh37 (hg19) VCF-style: chr21-47704078-T-C.
Other names: p.Met375Val; short protein forms M375V.
Identifiers: ClinVar variation 1437067 (VCV001437067.5), dbSNP rs376121506, ClinGen allele CA10077186.
Genomic context (GRCh38, chr21:46,284,164, plus strand): 5'-TATTCACACCTGGAATCCGGGAAGGTGCCAGGACAGACTGATTCCCTCCTGGGATAGCCA[T>C]GTGGTCACTTTCTGCAGACTCAACAAAGCCAGTTTCCTTTTTGGCCTCCTTGTTGCCCAG-3'
Protein context (NP_003897.2, residues 365-385): GFVESAESDH[Met375Val]AIPGGNQSVL

ClinVar aggregate classification (germline): Uncertain significance. Review status: criteria provided, multiple submitters, no conflicts (2 of 4 stars). 2 submissions from 2 submitters: Uncertain significance (2). Last evaluated 2024-12-26.

Allele frequency attached by ClinVar (database versions not stated): gnomAD exomes 0.00004; ExAC 0.00002; TOPMed 0.00003; gnomAD 0.00005 and 0.00006; ESP Exome Variant Server 0.00008.
gnomAD v4.1: 63 of 1,614,136 alleles (0.0039%); highest among the groups gnomAD compares: Middle Eastern, 0.066%; no homozygotes.

Submissions (2):

Mayo Clinic Laboratories, Mayo Clinic
Classification: Uncertain significance. Last evaluated: 2024-12-26. Review status: criteria provided, single submitter. Criteria: ACMG Guidelines, 2015. Collection method: clinical testing. Allele origin: germline. Observed: 1 variant allele.
Comment: BP4_moderate

Labcorp Genetics (formerly Invitae), Labcorp
Classification: Uncertain significance. Last evaluated: 2022-05-20. Review status: criteria provided, single submitter. Criteria: Invitae Variant Classification Sherloc (09022015). Collection method: clinical testing. Allele origin: germline.
Comment: This sequence change replaces methionine, which is neutral and non-polar, with valine, which is neutral and non-polar, at codon 375 of the MCM3AP protein (p.Met375Val). This variant is present in population databases (rs376121506, gnomAD 0.005%). This variant has not been reported in the literature in individuals affected with MCM3AP-related conditions. Algorithms developed to predict the effect of missense changes on protein structure and function output the following: SIFT: "Tolerated"; PolyPhen-2: "Benign"; Align-GVGD: "Class C0". The valine amino acid residue is found in multiple mammalian species, which suggests that this missense change does not adversely affect protein function. In summary, the available evidence is currently insufficient to determine the role of this variant in disease. Therefore, it has been classified as a Variant of Uncertain Significance.